The following is an entry in ClinVar:

ClinVar aggregate classification (germline): Uncertain significance (1 of 4 stars; one submission).

gnomAD v4.1: 2 of 1,612,804 alleles (0.00012%); highest among the groups gnomAD compares: Admixed American, 0.0033%; no homozygotes.

Submission:

Labcorp Genetics (formerly Invitae), Labcorp
Classification: Uncertain significance. Last evaluated: 2024-10-15. Review status: criteria provided, single submitter. Criteria: Invitae Variant Classification Sherloc (09022015). Collection method: clinical testing. Allele origin: germline.
Comment: This sequence change replaces arginine, which is basic and polar, with proline, which is neutral and non-polar, at codon 368 of the C2 protein (p.Arg368Pro). This variant is present in population databases (no rsID available, gnomAD 0.006%). This variant has not been reported in the literature in individuals affected with C2-related conditions. ClinVar contains an entry for this variant (Variation ID: 1345842). Invitae Evidence Modeling of protein sequence and biophysical properties (such as structural, functional, and spatial information, amino acid conservation, physicochemical variation, residue mobility, and thermodynamic stability) indicates that this missense variant is expected to disrupt C2 protein function with a positive predictive value of 80%. In summary, the available evidence is currently insufficient to determine the role of this variant in disease. Therefore, it has been classified as a Variant of Uncertain Significance.

NM_000063.6(C2):c.1103G>C (p.Arg368Pro)

Genes: C2 (complement C2; plus strand), C2-AS1 (C2 antisense RNA 1; minus strand). Cytogenetic location: 6p21.33.
Variant type: single nucleotide variant.
Coding change: c.1103G>C on transcript NM_000063.6 (MANE Select); coding-DNA position 1103, G replaced by C.
Protein change: p.Arg368Pro; replaces arginine 368 with proline.
Molecular consequence: missense variant.
Genome position (GRCh38, 1-based): chr6:31,937,433, G>C. VCF-style: chr6-31937433-G-C. GRCh37 (hg19) VCF-style: chr6-31905210-G-C.
Other names: c.707G>C, p.Arg236Pro (NM_001145903.3); c.461G>C, p.Arg154Pro (NM_001178063.3); c.365G>C, p.Arg122Pro (NM_001282457.2); c.1016G>C, p.Arg339Pro (NM_001282458.2); short protein forms R339P, R122P, R154P, R236P, R368P.
Identifiers: ClinVar variation 1345842 (VCV001345842.6), dbSNP rs761100503, ClinGen allele CA363371653.